The following is an entry in ClinVar:

ClinVar aggregate classification (germline): Uncertain significance. Review status: criteria provided, multiple submitters, no conflicts (2 of 4 stars). 2 submissions from 2 submitters: Uncertain significance (2). Last evaluated 2025-04-08.

Conditions:
Polycystic kidney disease 2 (PKD2). Also called: POLYCYSTIC KIDNEY DISEASE 2 WITH OR WITHOUT POLYCYSTIC LIVER DISEASE; POLYCYSTIC KIDNEY DISEASE, ADULT, TYPE II; Polycystic Kidney Disease 2, Autosomal Dominant. Identifiers: MedGen C2751306, MONDO:0013131, OMIM 613095.
Autosomal dominant polycystic kidney disease. Identifiers: Orphanet 730, MedGen C0085413, MONDO:0004691.

gnomAD v4.1: 7 of 1,447,658 alleles (0.00048%); highest among the groups gnomAD compares: Non-Finnish European, 0.00068%; no homozygotes.

Submissions (2):

Labcorp Genetics (formerly Invitae), Labcorp
Classification: Uncertain significance for Autosomal dominant polycystic kidney disease. Last evaluated: 2025-04-08. Review status: criteria provided, single submitter. Criteria: Invitae Variant Classification Sherloc (09022015). Collection method: clinical testing. Allele origin: germline.
Comment: This sequence change replaces isoleucine, which is neutral and non-polar, with valine, which is neutral and non-polar, at codon 236 of the PKD2 protein (p.Ile236Val). This variant is not present in population databases (gnomAD no frequency). This variant has not been reported in the literature in individuals affected with PKD2-related conditions. Invitae Evidence Modeling of protein sequence and biophysical properties (such as structural, functional, and spatial information, amino acid conservation, physicochemical variation, residue mobility, and thermodynamic stability) indicates that this missense variant is not expected to disrupt PKD2 protein function with a negative predictive value of 80%. In summary, the available evidence is currently insufficient to determine the role of this variant in disease. Therefore, it has been classified as a Variant of Uncertain Significance.

Department of Pathology and Laboratory Medicine, Sinai Health System
Classification: Uncertain significance for Polycystic kidney disease 2. Last evaluated: 2024-06-13. Review status: criteria provided, single submitter. Criteria: ACMG Guidelines, 2015. Collection method: clinical testing. Allele origin: germline. Affected: yes.

NM_000297.4(PKD2):c.706A>G (p.Ile236Val)

Gene: PKD2 (polycystin 2, transient receptor potential cation channel; plus strand). Cytogenetic location: 4q22.1.
Variant type: single nucleotide variant.
Coding change: c.706A>G on transcript NM_000297.4 (MANE Select); coding-DNA position 706, A replaced by G.
Protein change: p.Ile236Val; replaces isoleucine 236 with valine.
Molecular consequence: missense variant. On other transcripts: non-coding transcript variant (1).
Genome position (GRCh38, 1-based): chr4:88,019,568, A>G. VCF-style: chr4-88019568-A-G. GRCh37 (hg19) VCF-style: chr4-88940720-A-G.
Other names: short protein forms I236V.
Identifiers: ClinVar variation 3780418 (VCV003780418.2).
Genomic context (GRCh38, chr4:88,019,568, plus strand): 5'-TACCTTAAAAGTGTTTTACGGGAACTGGTCACATACCTCCTTTTTCTCATAGTCTTGTGC[A>G]TCTGTAAGTAGAATATTTCCTTGCACTAATGGGAAAGTTTTGAAAAGATTTGACCTATCC-3'
Protein context (NP_000288.1, residues 226-246): TYLLFLIVLC[Ile236Val]LTYGMMSSNV